The following is an entry in ClinVar:

ClinVar aggregate classification (germline): Pathogenic. Review status: reviewed by expert panel (3 of 4 stars). 2 submissions from 2 submitters: Pathogenic (1). 1 of the submissions does not count toward it. Last evaluated 2016-10-18.

Conditions:
Breast-ovarian cancer, familial, susceptibility to, 1 (BROVCA1). Also called: BRCA1 Hereditary Breast and Ovarian Cancer; OVARIAN CANCER, SUSCEPTIBILITY TO. Identifiers: Orphanet 145, MedGen C2676676, MONDO:0011450, OMIM 604370. Disease mechanism: loss of function.

Submissions (2):

Evidence-based Network for the Interpretation of Germline Mutant Alleles (ENIGMA)
Classification: Pathogenic for Breast-ovarian cancer, familial, susceptibility to, 1. Last evaluated: 2016-10-18. Review status: reviewed by expert panel. Criteria: ENIGMA BRCA1/2 Classification Criteria (2015). Collection method: curation. Allele origin: germline.
Comment: Variant allele predicted to encode a truncated non-functional protein.

Consortium of Investigators of Modifiers of BRCA1/2 (CIMBA), c/o University of Cambridge
Classification: Pathogenic for Breast-ovarian cancer, familial, susceptibility to, 1. Last evaluated: 2015-10-02. Review status: criteria provided, single submitter. Criteria: CIMBA Mutation Classification guidelines May 2016. Collection method: clinical testing. Allele origin: germline. Not counted in ClinVar's aggregate classification.

NM_007294.4(BRCA1):c.5208_5247delinsTC (p.Arg1737fs)

Gene: BRCA1 (BRCA1 DNA repair associated; minus strand). Cytogenetic location: 17q21.31.
Variant type: Indel.
Coding change: c.5208_5247delinsTC on transcript NM_007294.4 (MANE Select); coding-DNA positions 5208 to 5247, the reference bases replaced by TC.
Protein change: p.Arg1737fs; shifts the reading frame from arginine 1737.
Molecular consequence: frameshift variant. On other transcripts: non-coding transcript variant (1).
Genome position (GRCh38, 1-based): chr17:43,057,082-43,057,121, 40 bases replaced. GRCh37 (hg19): chr17:41,209,099-41,209,138.
Other names: 5327-5328insTC 5330-5369del40; c.1779_1818del40insTC, p.Arg594Glnfs (NM_001408422.1, NM_001408423.1, NM_001408424.1 and 1 more transcripts); c.1776_1815del40insTC, p.Arg593Glnfs (NM_001408425.1, NM_001408426.1, NM_001408427.1 and 4 more transcripts); c.1773_1812del40insTC, p.Arg592Glnfs (NM_001408432.1, NM_001408433.1, NM_001408434.1 and 10 more transcripts); c.1770_1809del40insTC, p.Arg591Glnfs (NM_001408445.1, NM_001408446.1, NM_001408447.1 and 2 more transcripts); c.1764_1803del40insTC, p.Arg589Glnfs (NM_001408451.1); c.1758_1797del40insTC, p.Arg587Glnfs (NM_001408452.1, NM_001408453.1, NM_001408454.1 and 3 more transcripts); c.1755_1794del40insTC, p.Arg586Glnfs (NM_001408458.1, NM_001408459.1, NM_001408460.1 and 7 more transcripts); and 76 more; short protein forms R1690fs, R1758fs, R633fs, R1737fs.
Identifiers: ClinVar variation 266532 (VCV000266532.6), dbSNP rs886040277, ClinGen allele CA10589604.
Genomic context (GRCh38, chr17:43,057,082, plus strand): 5'-TTTTTGTCAACTTGAGGGAGGGAGCTTTACCTTTCTGTCCTGGGATTCTCTTGCTCGCTT[TGGACCTTGGTGGTTTCTTCCATTGACCACATCTCCTCTG>GA]ACTTCAAAATCATGCTGAAAGAAACCAAACACAACCCATCAGGATAAGAGAAAGAGAAGC-3'